The following is an entry in ClinVar:

NM_177438.3(DICER1):c.3839G>A (p.Ser1280Asn)

Gene: DICER1 (dicer 1, ribonuclease III; minus strand). Cytogenetic location: 14q32.13.
Variant type: single nucleotide variant.
Coding change: c.3839G>A on transcript NM_177438.3 (MANE Select); coding-DNA position 3839, G replaced by A.
Protein change: p.Ser1280Asn; replaces serine 1280 with asparagine.
Molecular consequence: missense variant.
Genome position (GRCh38, 1-based): chr14:95,103,557, C>T on the plus strand (G>A on the coding strand, the complement: DICER1 is on the minus strand). VCF-style: chr14-95103557-C-T. GRCh37 (hg19) VCF-style: chr14-95569894-C-T.
Other names: c.3839G>A, p.Ser1280Asn (NM_001195573.1, NM_001271282.3, NM_001291628.2 and 1 more transcripts); c.3839G>A (NM_177438.2); short protein forms S1280N.
Identifiers: ClinVar variation 1052922 (VCV001052922.9), dbSNP rs1595364485, ClinGen allele CA390873336.
Genomic context (GRCh38, chr14:95,103,557, plus strand): 5'-GCCTGAAGAATAAGTCCAGGATTGGGGCCAAGAGTCCTTGAGGAGTACCCAATAGAAGGG[C>T]TCTGCTCAGAATCCATCCTGCCCTTGAGCACTTGAATAGTGTCTGTCGTACCAGGCATTA-3'
Protein context (NP_803187.1, residues 1270-1290): VLKGRMDSEQ[Ser1280Asn]PSIGYSSRTL

ClinVar aggregate classification (germline): Uncertain significance. Review status: criteria provided, multiple submitters, no conflicts (2 of 4 stars). 2 submissions from 2 submitters: Uncertain significance (2). Last evaluated 2023-06-24.

Conditions:
Hereditary cancer-predisposing syndrome. Also called: Hereditary Cancer Syndrome; Tumor predisposition; Hereditary neoplastic syndrome; Neoplastic Syndromes, Hereditary. Identifiers: Orphanet 140162, MedGen C0027672, MeSH D009386, MONDO:0015356.
DICER1-related tumor predisposition. Also called: DICER1-related pleuropulmonary blastoma cancer predisposition syndrome; DICER1 syndrome. Identifiers: Orphanet 284343, MedGen C3839822, MONDO:0100216.

Submissions (2):

Ambry Genetics
Classification: Uncertain significance for Hereditary cancer-predisposing syndrome. Last evaluated: 2023-06-24. Review status: criteria provided, single submitter. Criteria: Ambry Variant Classification Scheme 2023. Collection method: clinical testing. Allele origin: germline.
Comment: The p.S1280N variant (also known as c.3839G>A), located in coding exon 20 of the DICER1 gene, results from a G to A substitution at nucleotide position 3839. The serine at codon 1280 is replaced by asparagine, an amino acid with highly similar properties. This amino acid position is conserved. In addition, this alteration is predicted to be tolerated by in silico analysis. Since supporting evidence is limited at this time, the clinical significance of this alteration remains unclear.

Labcorp Genetics (formerly Invitae), Labcorp
Classification: Uncertain significance for DICER1-related tumor predisposition. Last evaluated: 2020-07-30. Review status: criteria provided, single submitter. Criteria: Invitae Variant Classification Sherloc (09022015). Collection method: clinical testing. Allele origin: germline.
Comment: This sequence change replaces serine with asparagine at codon 1280 of the DICER1 protein (p.Ser1280Asn). The serine residue is weakly conserved and there is a small physicochemical difference between serine and asparagine. This variant is not present in population databases (ExAC no frequency). This variant has not been reported in the literature in individuals with DICER1-related conditions. Algorithms developed to predict the effect of missense changes on protein structure and function output the following: SIFT: "Tolerated"; PolyPhen-2: "Benign"; Align-GVGD: "Class C0". The asparagine amino acid residue is found in multiple mammalian species, suggesting that this missense change does not adversely affect protein function. These predictions have not been confirmed by published functional studies and their clinical significance is uncertain. In summary, the available evidence is currently insufficient to determine the role of this variant in disease. Therefore, it has been classified as a Variant of Uncertain Significance.